The following is an entry in ClinVar:

NM_080605.4(B3GALT6):c.30_39dup (p.Leu14fs)

Gene: B3GALT6 (beta-1,3-galactosyltransferase 6; plus strand). Cytogenetic location: 1p36.33.
Variant type: Duplication.
Coding change: c.30_39dup on transcript NM_080605.4 (MANE Select); coding-DNA positions 30 to 39, 10 bases duplicated (GCGGGCGGCG; older notation c.30_39dupGCGGGCGGCG).
Protein change: p.Leu14fs; shifts the reading frame from leucine 14.
Molecular consequence: frameshift variant.
Genome position (GRCh38, 1-based): chr1:1,232,308-1,232,317, GCGGGCGGCG duplicated; duplicating any 10 consecutive bases within chr1:1,232,301-1,232,317 gives the same sequence; the c. name uses the placement nearest the transcript's 3' end. VCF-style (leftmost placement, unchanged base first): chr1-1232300-T-TGGCGGCGGCG. GRCh37 (hg19) VCF-style: chr1-1167680-T-TGGCGGCGGCG.
Other names: short protein forms L14fs.
Identifiers: ClinVar variation 1473227 (VCV001473227.6), dbSNP rs2100993072, ClinGen allele CA2573130695.

ClinVar aggregate classification (germline): Uncertain significance (1 of 4 stars; one submission).

Conditions:
Ehlers-Danlos syndrome, spondylodysplastic type, 2 (EDSSPD2). Also called: Ehlers-Danlos syndrome, progeroid type, 2. Identifiers: Orphanet 536467, Orphanet 75496, MedGen C3809210, MONDO:0014139, OMIM 615349.
Spondyloepimetaphyseal dysplasia with joint laxity (SEMDJL). Identifiers: MedGen C0432243, MONDO:0019675.

Submission:

Labcorp Genetics (formerly Invitae), Labcorp
Classification: Uncertain significance for Ehlers-Danlos syndrome, spondylodysplastic type, 2; Spondyloepimetaphyseal dysplasia with joint laxity. Last evaluated: 2021-11-15. Review status: criteria provided, single submitter. Criteria: Invitae Variant Classification Sherloc (09022015). Collection method: clinical testing. Allele origin: germline.
Comment: In summary, the available evidence is currently insufficient to determine the role of this variant in disease. Therefore, it has been classified as a Variant of Uncertain Significance. This variant has not been reported in the literature in individuals affected with B3GALT6-related conditions. The frequency data for this variant in the population databases is considered unreliable, as metrics indicate insufficient coverage at this position in the gnomAD database. This sequence change creates a premature translational stop signal (p.Leu14Alafs*432) in the B3GALT6 gene. While this is not anticipated to result in nonsense mediated decay, it is expected to disrupt the last 316 amino acid(s) of the B3GALT6 protein.